The following is an entry in ClinVar:

NM_201596.3(CACNB2):c.1472T>A (p.Leu491Gln)

Gene: CACNB2 (calcium voltage-gated channel auxiliary subunit beta 2; plus strand). Cytogenetic location: 10p12.31.
Variant type: single nucleotide variant.
Coding change: c.1472T>A on transcript NM_201596.3 (MANE Select); coding-DNA position 1472, T replaced by A.
Protein change: p.Leu491Gln; replaces leucine 491 with glutamine.
Molecular consequence: missense variant.
Genome position (GRCh38, 1-based): chr10:18,538,349, T>A. VCF-style: chr10-18538349-T-A. GRCh37 (hg19) VCF-style: chr10-18827278-T-A.
Other names: c.1307T>A, p.Leu436Gln (NM_000724.4); c.1274T>A, p.Leu425Gln (NM_001167945.2); c.1193T>A, p.Leu398Gln (NM_001330060.2); c.1214T>A, p.Leu405Gln (NM_001410882.1); c.1328T>A, p.Leu443Gln (NM_201570.3); c.1388T>A, p.Leu463Gln (NM_201571.4); c.1316T>A, p.Leu439Gln (NM_201572.4); c.1310T>A, p.Leu437Gln (NM_201590.3); and 2 more; short protein forms L405Q, L398Q, L436Q, L443Q, L453Q, L425Q, L439Q, L491Q.
Identifiers: ClinVar variation 1769658 (VCV001769658.2), dbSNP rs1937338769, ClinGen allele CA376070627.

ClinVar aggregate classification (germline): Uncertain significance (1 of 4 stars; one submission).

Conditions:
Cardiovascular phenotype. Identifiers: MedGen CN230736.

Submission:

Ambry Genetics
Classification: Uncertain significance for Cardiovascular phenotype. Last evaluated: 2022-08-24. Review status: criteria provided, single submitter. Criteria: Ambry Variant Classification Scheme 2023. Collection method: clinical testing. Allele origin: germline.
Comment: The p.L437Q variant (also known as c.1310T>A), located in coding exon 12 of the CACNB2 gene, results from a T to A substitution at nucleotide position 1310. The leucine at codon 437 is replaced by glutamine, an amino acid with dissimilar properties. This amino acid position is conserved. In addition, this alteration is predicted to be tolerated by in silico analysis. Since supporting evidence is limited at this time, the clinical significance of this alteration remains unclear.